The following is an entry in ClinVar:

ClinVar aggregate classification (germline): Uncertain significance (1 of 4 stars; one submission).

Conditions:
Hereditary cancer-predisposing syndrome. Also called: Neoplastic Syndromes, Hereditary; Tumor predisposition; Hereditary neoplastic syndrome; Hereditary Cancer Syndrome. Identifiers: Orphanet 140162, MedGen C0027672, MeSH D009386, MONDO:0015356.

Submission:

Ambry Genetics
Classification: Uncertain significance for Hereditary cancer-predisposing syndrome. Last evaluated: 2014-12-21. Review status: criteria provided, single submitter. Criteria: Ambry Variant Classification Scheme 2023. Collection method: clinical testing. Allele origin: germline.
Comment: Based on insufficient or conflicting evidence, the clinical significance of this alteration remains unclear.

NM_000051.4(ATM):c.72+8_72+9insAAAAA

Gene: ATM (ATM serine/threonine kinase; plus strand). Cytogenetic location: 11q22.3.
Variant type: Insertion.
Coding change: c.72+8_72+9insAAAAA on transcript NM_000051.4 (MANE Select); bases 8 to 9 of the intron after coding-DNA position 72, AAAAA inserted.
Molecular consequence: intron variant.
Genome position: GRCh38 VCF-style: chr11-108227701-T-TAAAAA. GRCh37 (hg19) VCF-style: chr11-108098428-T-TAAAAA.
Other names: c.72+8_72+9insAAAAA (NM_001351834.2, NM_001351835.2, NM_001351836.2).
Identifiers: ClinVar variation 3076175 (VCV003076175.1), dbSNP rs2078812052, ClinGen allele CA1998760911.
Genomic context (GRCh38, chr11:108,227,701, plus strand): 5'-ATGATCTGCTTATCTGCTGCCGTCAACTAGAACATGATAGAGCTACAGAACGAAAGGTAG[T>TAAAAA]AAATTACTTAAATTCAATTTTTCCTTGAAATAAGTGTGATTAGTAACCCATTATTATTTC-3'